The following is an entry in ClinVar:

NM_001605.3(AARS1):c.2027C>T (p.Ala676Val)

Gene: AARS1 (alanyl-tRNA synthetase 1; minus strand). Cytogenetic location: 16q22.1.
Variant type: single nucleotide variant.
Coding change: c.2027C>T on transcript NM_001605.3 (MANE Select); coding-DNA position 2027, C replaced by T.
Protein change: p.Ala676Val; replaces alanine 676 with valine.
Molecular consequence: missense variant.
Genome position (GRCh38, 1-based): chr16:70,258,183, G>A on the plus strand (C>T on the coding strand, the complement: AARS1 is on the minus strand). VCF-style: chr16-70258183-G-A. GRCh37 (hg19) VCF-style: chr16-70292086-G-A.
Other names: short protein forms A676V.
Identifiers: ClinVar variation 577026 (VCV000577026.26), dbSNP rs371114066, ClinGen allele CA8140581.
Genomic context (GRCh38, chr16:70,258,183, plus strand): 5'-ACTCGCACAGGGTCAGGATAGGTCTCATCAAACACAGCCCGTAGGCCCTGGATGGCTTTC[G>A]CTGCTGCCAGGGGGCAATCCTGGGTATAGACGGCCTGCCAGACCAAGAAGACAGAAAAGA-3'
Protein context (NP_001596.2, residues 666-686): VYTQDCPLAA[Ala676Val]KAIQGLRAVF

ClinVar aggregate classification (germline): Uncertain significance. Review status: criteria provided, multiple submitters, no conflicts (2 of 4 stars). 3 submissions from 3 submitters: Uncertain significance (3). Last evaluated 2025-06-26.

Conditions:
Charcot-Marie-Tooth disease type 2. Also called: Charcot-Marie-Tooth type 2. Identifiers: Orphanet 64746, MedGen C0270914, MONDO:0018993.
Inborn genetic diseases. Identifiers: MedGen C0950123, MeSH D030342.

Allele frequency attached by ClinVar (database versions not stated): gnomAD 0.00001; gnomAD exomes 0.00001; TOPMed 0.00002; ExAC 0.00005; ESP Exome Variant Server 0.00008; 1000 Genomes Project 0.00020; 1000 Genomes Project 30x 0.00031.
gnomAD v4.1: 20 of 1,604,134 alleles (0.0012%); highest among the groups gnomAD compares: Middle Eastern, 0.017%; no homozygotes.

Submissions (3):

Ambry Genetics
Classification: Uncertain significance for Inborn genetic diseases. Last evaluated: 2025-06-26. Review status: criteria provided, single submitter. Criteria: Ambry Variant Classification Scheme 2023. Collection method: clinical testing. Allele origin: germline.

CeGaT Center for Human Genetics Tuebingen
Classification: Uncertain significance. Last evaluated: 2024-08-01. Review status: criteria provided, single submitter. Criteria: CeGaT Center For Human Genetics Tuebingen Variant Classification Criteria Version 2. Collection method: clinical testing. Allele origin: germline. Affected: yes. Observed: 1 variant allele.
Comment: AARS1: PM2

Labcorp Genetics (formerly Invitae), Labcorp
Classification: Uncertain significance for Charcot-Marie-Tooth disease type 2. Last evaluated: 2024-03-03. Review status: criteria provided, single submitter. Criteria: Invitae Variant Classification Sherloc (09022015). Collection method: clinical testing. Allele origin: germline.
Comment: This sequence change replaces alanine, which is neutral and non-polar, with valine, which is neutral and non-polar, at codon 676 of the AARS protein (p.Ala676Val). The frequency data for this variant in the population databases is considered unreliable, as metrics indicate poor data quality at this position in the gnomAD database. This variant has not been reported in the literature in individuals affected with AARS-related conditions. ClinVar contains an entry for this variant (Variation ID: 577026). Advanced modeling of protein sequence and biophysical properties (such as structural, functional, and spatial information, amino acid conservation, physicochemical variation, residue mobility, and thermodynamic stability) has been performed at Invitae for this missense variant, however the output from this modeling did not meet the statistical confidence thresholds required to predict the impact of this variant on AARS protein function. In summary, the available evidence is currently insufficient to determine the role of this variant in disease. Therefore, it has been classified as a Variant of Uncertain Significance.